The following is an entry in ClinVar:

NM_004446.3(EPRS1):c.3246G>A (p.Val1082=)

Gene: EPRS1 (glutamyl-prolyl-tRNA synthetase 1; minus strand). Cytogenetic location: 1q41.
Variant type: single nucleotide variant.
Coding change: c.3246G>A on transcript NM_004446.3 (MANE Select); coding-DNA position 3246, G replaced by A.
Protein change: p.Val1082=; no amino-acid change (valine 1082 retained).
Molecular consequence: synonymous variant.
Genome position (GRCh38, 1-based): chr1:219,983,243, C>T on the plus strand (G>A on the coding strand, the complement: EPRS1 is on the minus strand). VCF-style: chr1-219983243-C-T. GRCh37 (hg19) VCF-style: chr1-220156585-C-T.
Other names: c.3246G>A (NM_004446.2).
Identifiers: ClinVar variation 1680872 (VCV001680872.13), dbSNP rs144466712, ClinGen allele CA1399755.

ClinVar aggregate classification (germline): Benign/Likely benign. Review status: criteria provided, multiple submitters, no conflicts (2 of 4 stars). 4 submissions from 4 submitters: Benign (1); Likely benign (2). 1 of the submissions does not count toward it. Last evaluated 2026-06-01.

Conditions:
EPRS1-related disorder. Also called: EPRS1-related condition.

Allele frequency attached by ClinVar (database versions not stated): ESP Exome Variant Server 0.00015; gnomAD exomes 0.00037 and 0.00109; ExAC 0.00103; 1000 Genomes Project 30x 0.00203; 1000 Genomes Project 0.00220.
gnomAD v4.1: 611 of 1,614,132 alleles (0.038%); highest among the groups gnomAD compares: East Asian, 1.2%; 2 homozygotes.

Submissions (4):

CeGaT Center for Human Genetics Tuebingen
Classification: Likely benign. Last evaluated: 2026-06-01. Review status: criteria provided, single submitter. Criteria: CeGaT Center For Human Genetics Tuebingen Variant Classification Criteria Version 2. Collection method: clinical testing. Allele origin: germline. Affected: yes. Observed: 1 variant allele.
Comment: EPRS1: BP4, BP7, BS1

Labcorp Genetics (formerly Invitae), Labcorp
Classification: Benign. Last evaluated: 2025-11-03. Review status: criteria provided, single submitter. Criteria: Invitae Variant Classification Sherloc (09022015). Collection method: clinical testing. Allele origin: germline.

Blueprint Genetics
Classification: Likely benign. Last evaluated: 2024-10-22. Review status: criteria provided, single submitter. Criteria: ACMG Guidelines, 2015. Collection method: clinical testing. Allele origin: germline.

PreventionGenetics, part of Exact Sciences
Classification: Benign for EPRS1-related condition. Last evaluated: 2019-08-09. Review status: no assertion criteria provided. Collection method: clinical testing. Allele origin: germline. Not counted in ClinVar's aggregate classification.
Comment: This variant is classified as benign based on ACMG/AMP sequence variant interpretation guidelines (Richards et al. 2015 PMID: 25741868, with internal and published modifications).